The following is an entry in ClinVar:

ClinVar aggregate classification (germline): Benign/Likely benign. Review status: criteria provided, multiple submitters, no conflicts (2 of 4 stars). 7 submissions from 6 submitters: Benign (4); Likely benign (3). Last evaluated 2026-06-01.

Conditions:
Cardiovascular phenotype. Identifiers: MedGen CN230736.
Brugada syndrome 5 (BRGDA5). Identifiers: Orphanet 130, Orphanet 871, MedGen C2748541, MONDO:0013015, OMIM 612838.
Generalized epilepsy with febrile seizures plus, type 1 (GEFSP1). Also called: GEFS+, TYPE 1. Identifiers: Orphanet 36387, MedGen C1858672, MONDO:0011416, OMIM 604233.

Allele frequency attached by ClinVar (database versions not stated): 1000 Genomes Project 30x 0.00141; gnomAD 0.00013 and below 0.00001; ExAC 0.00054; TOPMed 0.00003; gnomAD exomes 0.00025 and 0.00046; 1000 Genomes Project 0.00140.
gnomAD v4.1: 389 of 1,614,220 alleles (0.024%); highest among the groups gnomAD compares: South Asian, 0.4%; 8 homozygotes.

Submissions (7):

CeGaT Center for Human Genetics Tuebingen
Classification: Likely benign. Last evaluated: 2026-06-01. Review status: criteria provided, single submitter. Criteria: CeGaT Center For Human Genetics Tuebingen Variant Classification Criteria Version 2. Collection method: clinical testing. Allele origin: germline. Affected: yes. Observed: 2 variant alleles.
Comment: SCN1B: BP4, BP7

Labcorp Genetics (formerly Invitae), Labcorp
Classification: Benign for Brugada syndrome 5. Last evaluated: 2025-12-13. Review status: criteria provided, single submitter. Criteria: Invitae Variant Classification Sherloc (09022015). Collection method: clinical testing. Allele origin: germline.

Blueprint Genetics
Classification: Likely benign. Last evaluated: 2023-12-04. Review status: criteria provided, single submitter. Criteria: ACMG Guidelines, 2015. Collection method: clinical testing. Allele origin: germline.

Illumina Laboratory Services, Illumina
Classification: Likely benign for Generalized epilepsy with febrile seizures plus, type 1. Last evaluated: 2018-01-13. Review status: criteria provided, single submitter. Criteria: ICSL Variant Classification Criteria 13 December 2019. Collection method: clinical testing. Allele origin: germline.
Comment: This variant was observed in the ICSL laboratory as part of a predisposition screen in an ostensibly healthy population. It had not been previously curated by ICSL or reported in the Human Gene Mutation Database (HGMD: prior to June 1st, 2018), and was therefore a candidate for classification through an automated scoring system. Utilizing variant allele frequency, disease prevalence and penetrance estimates, and inheritance mode, an automated score was calculated to assess if this variant is too frequent to cause the disease. Based on the score and internal cut-off values, a variant classified as likely benign is not then subjected to further curation. The score for this variant resulted in a classification of likely benign for this disease.

Illumina Laboratory Services, Illumina
Classification: Benign for Brugada syndrome 5. Last evaluated: 2018-01-13. Review status: criteria provided, single submitter. Criteria: ICSL Variant Classification Criteria 13 December 2019. Collection method: clinical testing. Allele origin: germline.
Comment: This variant was observed in the ICSL laboratory as part of a predisposition screen in an ostensibly healthy population. It had not been previously curated by ICSL or reported in the Human Gene Mutation Database (HGMD: prior to June 1st, 2018), and was therefore a candidate for classification through an automated scoring system. Utilizing variant allele frequency, disease prevalence and penetrance estimates, and inheritance mode, an automated score was calculated to assess if this variant is too frequent to cause the disease. Based on the score and internal cut-off values, a variant classified as benign is not then subjected to further curation. The score for this variant resulted in a classification of benign for this disease.

Ambry Genetics
Classification: Benign for Cardiovascular phenotype. Last evaluated: 2017-08-11. Review status: criteria provided, single submitter. Criteria: Ambry Variant Classification Scheme 2023. Collection method: clinical testing. Allele origin: germline.

GeneDx
Classification: Benign. Last evaluated: 2014-10-27. Review status: criteria provided, single submitter. Criteria: GeneDx Variant Classification (06012015). Collection method: clinical testing. Allele origin: germline. Affected: yes.
Comment: This variant is considered likely benign or benign based on one or more of the following criteria: it is a conservative change, it occurs at a poorly conserved position in the protein, it is predicted to be benign by multiple in silico algorithms, and/or has population frequency not consistent with disease.

NM_001037.5(SCN1B):c.492T>C (p.Tyr164=)

Gene: SCN1B (sodium voltage-gated channel beta subunit 1; plus strand). Cytogenetic location: 19q13.11.
Variant type: single nucleotide variant.
Coding change: c.492T>C on transcript NM_001037.5 (MANE Select); coding-DNA position 492, T replaced by C.
Protein change: p.Tyr164=; no amino-acid change (tyrosine 164 retained).
Molecular consequence: synonymous variant.
Genome position (GRCh38, 1-based): chr19:35,039,160, T>C. VCF-style: chr19-35039160-T-C. GRCh37 (hg19) VCF-style: chr19-35530064-T-C.
Other names: p.Y164Y:TAT>TAC; c.393T>C, p.Tyr131= (NM_001321605.2).
Identifiers: ClinVar variation 190853 (VCV000190853.27), dbSNP rs535042320, ClinGen allele CA302141.